The following is an entry in ClinVar:

ClinVar aggregate classification (germline): Uncertain significance. Review status: criteria provided, multiple submitters, no conflicts (2 of 4 stars). 3 submissions from 3 submitters: Uncertain significance (3). Last evaluated 2024-12-17.

Allele frequency attached by ClinVar (database versions not stated): gnomAD 0.00001; gnomAD exomes 0.00001; TOPMed 0.00002.
gnomAD v4.1: 12 of 1,613,934 alleles (0.00074%); highest among the groups gnomAD compares: Admixed American, 0.0017%; no homozygotes.

Submissions (3):

Ambry Genetics
Classification: Uncertain significance. Last evaluated: 2024-12-17. Review status: criteria provided, single submitter. Criteria: Ambry Variant Classification Scheme 2023. Collection method: clinical testing. Allele origin: germline.
Comment: The p.Y249C variant (also known as c.746A>G), located in coding exon 7 of the SRP72 gene, results from an A to G substitution at nucleotide position 746. The tyrosine at codon 249 is replaced by cysteine, an amino acid with highly dissimilar properties. This amino acid position is conserved. In addition, this alteration is predicted to be deleterious by in silico analysis. Based on the available evidence, the clinical significance of this variant remains unclear.

GeneDx
Classification: Uncertain significance. Last evaluated: 2024-08-11. Review status: criteria provided, single submitter. Criteria: GeneDx Variant Classification Process June 2021. Collection method: clinical testing. Allele origin: germline. Affected: yes.
Comment: Not observed at significant frequency in large population cohorts (gnomAD); In silico analysis supports that this missense variant has a deleterious effect on protein structure/function; Has not been previously published as pathogenic or benign to our knowledge

Labcorp Genetics (formerly Invitae), Labcorp
Classification: Uncertain significance. Last evaluated: 2024-01-09. Review status: criteria provided, single submitter. Criteria: Invitae Variant Classification Sherloc (09022015). Collection method: clinical testing. Allele origin: germline.
Comment: This sequence change replaces tyrosine, which is neutral and polar, with cysteine, which is neutral and slightly polar, at codon 249 of the SRP72 protein (p.Tyr249Cys). This variant is present in population databases (no rsID available, gnomAD 0.1%). This variant has not been reported in the literature in individuals affected with SRP72-related conditions. ClinVar contains an entry for this variant (Variation ID: 2506862). Advanced modeling of protein sequence and biophysical properties (such as structural, functional, and spatial information, amino acid conservation, physicochemical variation, residue mobility, and thermodynamic stability) performed at Invitae indicates that this missense variant is expected to disrupt SRP72 protein function with a positive predictive value of 80%. In summary, the available evidence is currently insufficient to determine the role of this variant in disease. Therefore, it has been classified as a Variant of Uncertain Significance.

NM_006947.4(SRP72):c.746A>G (p.Tyr249Cys)

Gene: SRP72 (signal recognition particle 72; plus strand). Cytogenetic location: 4q12.
Variant type: single nucleotide variant.
Coding change: c.746A>G on transcript NM_006947.4 (MANE Select); coding-DNA position 746, A replaced by G.
Protein change: p.Tyr249Cys; replaces tyrosine 249 with cysteine.
Molecular consequence: missense variant. On other transcripts: non-coding transcript variant (1), intron variant (1).
Genome position (GRCh38, 1-based): chr4:56,478,482, A>G. VCF-style: chr4-56478482-A-G. GRCh37 (hg19) VCF-style: chr4-57344648-A-G.
Other names: c.642+1780A>G (NM_001267722.2); short protein forms Y249C.
Identifiers: ClinVar variation 2506862 (VCV002506862.8), dbSNP rs953480192, ClinGen allele CA97593051.